The following is an entry in ClinVar:

NM_000384.3(APOB):c.2214T>C (p.Phe738=)

Gene: APOB (apolipoprotein B; minus strand). Cytogenetic location: 2p24.1.
Variant type: single nucleotide variant.
Coding change: c.2214T>C on transcript NM_000384.3 (MANE Select); coding-DNA position 2214, T replaced by C.
Protein change: p.Phe738=; no amino-acid change (phenylalanine 738 retained).
Molecular consequence: synonymous variant.
Genome position (GRCh38, 1-based): chr2:21,026,818, A>G on the plus strand (T>C on the coding strand, the complement: APOB is on the minus strand). VCF-style: chr2-21026818-A-G. GRCh37 (hg19) VCF-style: chr2-21249690-A-G.
Identifiers: ClinVar variation 923248 (VCV000923248.14), dbSNP rs141155070, ClinGen allele CA055582.

ClinVar aggregate classification (germline): Likely benign. Review status: criteria provided, multiple submitters, no conflicts (2 of 4 stars). 4 submissions from 4 submitters: Likely benign (4). Last evaluated 2025-12-16.

Conditions:
Familial hypobetalipoproteinemia 1. Also called: Hypobetalipoproteinemia, normotriglyceridemic; Acanthocytosis with hypobetalipoproteinemia; APOB-Related Familial Hypobetalipoproteinemia. Identifiers: MedGen C4551990, MONDO:0014252, OMIM 615558.
Hypercholesterolemia, autosomal dominant, type B (FHCL2). Also called: Familial Hypercholesterolemia Type B; HYPERCHOLESTEROLEMIA, FAMILIAL, DUE TO LIGAND-DEFECTIVE APOLIPOPROTEIN B; Familial hypercholesterolemia 2; APOB-Related Familial Hypercholesterolemia, Autosomal Dominant; APOLIPOPROTEIN B-100, FAMILIAL DEFECTIVE; APOLIPOPROTEIN B-100, FAMILIAL LIGAND-DEFECTIVE. Identifiers: MedGen C1704417, MONDO:0007751, OMIM 144010.
Cardiovascular phenotype. Identifiers: MedGen CN230736.
Familial hypercholesterolemia. Also called: Familial hypercholesterolemias; Familial hypercholesterolaemia. Identifiers: MedGen C0020445, MONDO:0005439.

Allele frequency attached by ClinVar (database versions not stated): gnomAD exomes 0.00002 and 0.00005; ExAC 0.00005; ESP Exome Variant Server 0.00015; gnomAD 0.00021 and 0.00024; TOPMed 0.00023.
gnomAD v4.1: 59 of 1,614,090 alleles (0.0037%); highest among the groups gnomAD compares: African/African-American, 0.071%; no homozygotes.

Submissions (4):

Labcorp Genetics (formerly Invitae), Labcorp
Classification: Likely benign for Familial hypobetalipoproteinemia 1; Hypercholesterolemia, autosomal dominant, type B. Last evaluated: 2025-12-16. Review status: criteria provided, single submitter. Criteria: Invitae Variant Classification Sherloc (09022015). Collection method: clinical testing. Allele origin: germline.

Quest Diagnostics Nichols Institute San Juan Capistrano
Classification: Likely benign. Last evaluated: 2025-02-07. Review status: criteria provided, single submitter. Criteria: Quest Diagnostics criteria. Collection method: clinical testing. Allele origin: unknown.

GENinCode PLC
Classification: Likely benign for Familial hypercholesterolemia. Last evaluated: 2023-07-26. Review status: criteria provided, single submitter. Criteria: ACMG Guidelines, 2015. Collection method: clinical testing. Allele origin: germline.
Comment: This is a synonymous (silent) variant that is not predicted by SpliceAI to impact splicing. In addition, it occurs at a nucleotide that is not conserved. Therefore this variant has been classified as Likely Benign (BP4, BP7).

Ambry Genetics
Classification: Likely benign for Cardiovascular phenotype. Last evaluated: 2018-08-07. Review status: criteria provided, single submitter. Criteria: Ambry Variant Classification Scheme 2023. Collection method: clinical testing. Allele origin: germline.